The following is an entry in ClinVar:

NM_013275.6(ANKRD11):c.3095C>G (p.Ser1032Cys)

Gene: ANKRD11 (ankyrin repeat domain 11; minus strand). Cytogenetic location: 16q24.3.
Variant type: single nucleotide variant.
Coding change: c.3095C>G on transcript NM_013275.6 (MANE Select); coding-DNA position 3095, C replaced by G.
Protein change: p.Ser1032Cys; replaces serine 1032 with cysteine.
Molecular consequence: missense variant.
Genome position (GRCh38, 1-based): chr16:89,283,447, G>C on the plus strand (C>G on the coding strand, the complement: ANKRD11 is on the minus strand). VCF-style: chr16-89283447-G-C. GRCh37 (hg19) VCF-style: chr16-89349855-G-C.
Other names: c.3095C>G (NM_013275.5); c.3095C>G, p.Ser1032Cys (NM_001256182.2, NM_001256183.2); short protein forms S1032C.
Identifiers: ClinVar variation 3122250 (VCV003122250.2), dbSNP rs2034423797, ClinGen allele CA397160608.

ClinVar aggregate classification (germline): Uncertain significance. Review status: criteria provided, multiple submitters, no conflicts (2 of 4 stars). 2 submissions from 2 submitters: Uncertain significance (2). Last evaluated 2026-07-08.

Conditions:
Inborn genetic diseases. Identifiers: MedGen C0950123, MeSH D030342.
ANKRD11-related disorder. Also called: ANKRD11-related condition.

Submissions (2):

PreventionGenetics, part of Exact Sciences
Classification: Uncertain significance for ANKRD11-related condition. Last evaluated: 2026-07-08. Review status: criteria provided, single submitter. Criteria: ACMG Guidelines, 2015. Collection method: clinical testing. Allele origin: germline.
Comment: The ANKRD11 c.3095C>G variant is predicted to result in the amino acid substitution p.Ser1032Cys. To our knowledge, this variant has not been reported in the literature or in a large population database (gnomAD), indicating this variant is rare. At this time, the clinical significance of this variant is uncertain due to the absence of conclusive functional and genetic evidence.

Ambry Genetics
Classification: Uncertain significance for Inborn genetic diseases. Last evaluated: 2023-10-24. Review status: criteria provided, single submitter. Criteria: Ambry Variant Classification Scheme 2023. Collection method: clinical testing. Allele origin: germline.